The following is an entry in ClinVar:

NM_000719.7(CACNA1C):c.2104-311T>C

Gene: CACNA1C (calcium voltage-gated channel subunit alpha1 C; plus strand). Cytogenetic location: 12p13.33.
Variant type: single nucleotide variant.
Coding change: c.2104-311T>C on transcript NM_000719.7 (MANE Select); 311 bases into the intron before coding-DNA position 2104, T replaced by C.
Molecular consequence: intron variant.
Genome position (GRCh38, 1-based): chr12:2,582,511, T>C. VCF-style: chr12-2582511-T-C. GRCh37 (hg19) VCF-style: chr12-2691677-T-C.
Other names: c.2104-311T>C (NM_001167624.3, NM_001167623.2, NM_001167625.2 and 18 more transcripts); c.2095-311T>C (NM_001129844.2).
Identifiers: ClinVar variation 669903 (VCV000669903.5), dbSNP rs11831766, ClinGen allele CA231585215.
Genomic context (GRCh38, chr12:2,582,511, plus strand): 5'-TGTTTGGGGAAAGCTGGTGTAGCCTGTGGCTGTCTCAGCAAACACACAACTGCAAAAGGG[T>C]CCTGACGCCTTACCCCCAGGAATGGCTGACGGTCAGCTCAAGCATGTGTGGGGAAAGTCA-3'

ClinVar aggregate classification (germline): Benign. Review status: criteria provided, multiple submitters, no conflicts (2 of 4 stars). 2 submissions from 2 submitters: Benign (2). Last evaluated 2019-12-31.

Conditions:
Long QT syndrome (LQTS). Identifiers: MedGen C0023976, MeSH D008133, MONDO:0002442. Disease mechanism: loss of function. Inheritance: Various modes of inheritance.

Allele frequency attached by ClinVar (database versions not stated): 1000 Genomes Project 0.03355; gnomAD 0.03406 and 0.03668; 1000 Genomes Project 30x 0.03513; TOPMed 0.03818.
gnomAD v4.1: 5,134 of 152,170 alleles (3.4%); highest among the groups gnomAD compares: African/African-American, 12%; 316 homozygotes.

Submissions (2):

Labcorp Genetics (formerly Invitae), Labcorp
Classification: Benign for Long QT syndrome. Last evaluated: 2019-12-31. Review status: criteria provided, single submitter. Criteria: Invitae Variant Classification Sherloc (09022015). Collection method: clinical testing. Allele origin: germline.

GeneDx
Classification: Benign. Last evaluated: 2018-06-16. Review status: criteria provided, single submitter. Criteria: GeneDx Variant Classification (06012015). Collection method: clinical testing. Allele origin: germline. Affected: yes.
Comment: This variant is considered likely benign or benign based on one or more of the following criteria: it is a conservative change, it occurs at a poorly conserved position in the protein, it is predicted to be benign by multiple in silico algorithms, and/or has population frequency not consistent with disease.